The following is an entry in ClinVar:

ClinVar aggregate classification (germline): Uncertain significance (1 of 4 stars; one submission).

Conditions:
Hereditary sensory and autonomic neuropathy type 6. Also called: HSAN VI; Neuropathy, hereditary sensory and autonomic, type VI. Identifiers: Orphanet 314381, MedGen C3539003, MONDO:0013839, OMIM 614653.
Epidermolysis bullosa simplex 3, localized or generalized intermediate, with BP230 deficiency (EBS3). Also called: Epidermolysis bullosa simplex due to BP230 deficiency; Epidermolysis bullosa simplex, autosomal recessive 2. Identifiers: Orphanet 412181, MedGen C3809470, MONDO:0014180, OMIM 615425.

Allele frequency attached by ClinVar (database versions not stated): TOPMed below 0.00001; gnomAD 0.00001; gnomAD exomes 0.00001; ExAC 0.00002.
gnomAD v4.1: 19 of 1,614,046 alleles (0.0012%); highest among the groups gnomAD compares: East Asian, 0.029%; 1 homozygote.

Submission:

Labcorp Genetics (formerly Invitae), Labcorp
Classification: Uncertain significance for Epidermolysis bullosa simplex 3, localized or generalized intermediate, with BP230 deficiency; Hereditary sensory and autonomic neuropathy type 6. Last evaluated: 2020-06-28. Review status: criteria provided, single submitter. Criteria: Invitae Variant Classification Sherloc (09022015). Collection method: clinical testing. Allele origin: germline.
Comment: In summary, the available evidence is currently insufficient to determine the role of this variant in disease. Therefore, it has been classified as a Variant of Uncertain Significance. Algorithms developed to predict the effect of missense changes on protein structure and function are either unavailable or do not agree on the potential impact of this missense change (SIFT: "Deleterious"; PolyPhen-2: "Benign"; Align-GVGD: "Class C25"). This variant has not been reported in the literature in individuals with DST-related conditions. This variant is present in population databases (rs773803740, ExAC 0.01%). This sequence change replaces leucine with valine at codon 2416 of the DST protein (p.Leu2416Val). The leucine residue is highly conserved and there is a small physicochemical difference between leucine and valine.

NM_001723.7(DST):c.7246T>G (p.Leu2416Val)

Gene: DST (dystonin; minus strand). Cytogenetic location: 6p12.1.
Variant type: single nucleotide variant.
Coding change: c.7246T>G on transcript NM_001723.7 (MANE Plus Clinical); coding-DNA position 7246, T replaced by G.
Protein change: p.Leu2416Val; replaces leucine 2416 with valine.
Molecular consequence: missense variant. On other transcripts: intron variant (10).
Genome position (GRCh38, 1-based): chr6:56,616,221, A>C on the plus strand (T>G on the coding strand, the complement: DST is on the minus strand). VCF-style: chr6-56616221-A-C. GRCh37 (hg19) VCF-style: chr6-56481019-A-C.
Other names: c.4831-1737T>G (NM_001144769.5); c.4930-1737T>G (NM_001374722.1, NM_001374736.1); c.4957-1737T>G (NM_001374734.1); c.4417-1737T>G (NM_001144770.2); c.4297-1737T>G (NM_001374730.1, NM_001386100.1, NM_183380.4 and 1 more transcripts); c.3319-1737T>G (NM_015548.5); short protein forms L2416V.
Identifiers: ClinVar variation 1018327 (VCV001018327.8), dbSNP rs773803740, ClinGen allele CA3870001.